The following is an entry in ClinVar:

NM_000083.3(CLCN1):c.1571A>G (p.Tyr524Cys)

Gene: CLCN1 (chloride voltage-gated channel 1; plus strand). Cytogenetic location: 7q34.
Variant type: single nucleotide variant.
Coding change: c.1571A>G on transcript NM_000083.3 (MANE Select); coding-DNA position 1571, A replaced by G.
Protein change: p.Tyr524Cys; replaces tyrosine 524 with cysteine.
Molecular consequence: missense variant. On other transcripts: non-coding transcript variant (1).
Genome position (GRCh38, 1-based): chr7:143,339,610, A>G. VCF-style: chr7-143339610-A-G. GRCh37 (hg19) VCF-style: chr7-143036703-A-G.
Other names: short protein forms Y524C.
Identifiers: ClinVar variation 585682 (VCV000585682.13), dbSNP rs1563083476, ClinGen allele CA369645945.

ClinVar aggregate classification (germline): Conflicting classifications of pathogenicity. Review status: criteria provided, conflicting classifications (1 of 4 stars). 3 submissions from 3 submitters: Pathogenic (1); Likely pathogenic (1); Uncertain significance (1). Last evaluated 2024-08-05.

Conditions:
Congenital myotonia, autosomal recessive form. Also called: BECKER DISEASE; Becker Generalized Myotonia; myotonia congenita, autosomal recessive. Identifiers: Orphanet 614, MedGen C0751360, MONDO:0009715, OMIM 255700.
Congenital myotonia, autosomal dominant form (THD). Also called: THOMSEN DISEASE; Myotonia congenita autosomal dominant. Identifiers: Orphanet 614, MedGen C2936781, MONDO:0008055, OMIM 160800.

Allele frequency attached by ClinVar (database versions not stated): TOPMed below 0.00001; gnomAD exomes 0.00001.

Submissions (3):

Labcorp Genetics (formerly Invitae), Labcorp
Classification: Pathogenic for Congenital myotonia, autosomal recessive form; Congenital myotonia, autosomal dominant form. Last evaluated: 2024-08-05. Review status: criteria provided, single submitter. Criteria: Invitae Variant Classification Sherloc (09022015). Collection method: clinical testing. Allele origin: germline.
Comment: This sequence change replaces tyrosine, which is neutral and polar, with cysteine, which is neutral and slightly polar, at codon 524 of the CLCN1 protein (p.Tyr524Cys). This variant is not present in population databases (gnomAD no frequency). This missense change has been observed in individual(s) with autosomal recessive myotonia congenita (PMID: 27614575; Invitae). In at least one individual the data is consistent with being in trans (on the opposite chromosome) from a pathogenic variant. ClinVar contains an entry for this variant (Variation ID: 585682). Advanced modeling of protein sequence and biophysical properties (such as structural, functional, and spatial information, amino acid conservation, physicochemical variation, residue mobility, and thermodynamic stability) performed at Invitae indicates that this missense variant is expected to disrupt CLCN1 protein function with a positive predictive value of 95%. For these reasons, this variant has been classified as Pathogenic.

Athena Diagnostics
Classification: Uncertain significance. Last evaluated: 2024-07-30. Review status: criteria provided, single submitter. Criteria: Athena Diagnostics Criteria. Collection method: clinical testing. Allele origin: unknown.
Comment: Available data are insufficient to determine the clinical significance of the variant at this time. This variant has not been reported in large, multi-ethnic general populations. This variant has been identified in at least one individual with clinical features associated with this gene. Polyphen and MutationTaster predict this amino acid change may be damaging to the protein.

Center for Human Genetics and Genomic Medicine, Uniklinik Rwth Aachen
Classification: Likely pathogenic for Congenital myotonia, autosomal recessive form. Last evaluated: 2023-12-05. Review status: criteria provided, single submitter. Criteria: ACMG Guidelines, 2015. Collection method: clinical testing. Allele origin: germline. Inheritance: Autosomal recessive inheritance. Affected: yes. Observed: 1 compound heterozygote.

Literature cited by the submitters: PubMed 27614575 (cited by Labcorp Genetics (formerly Invitae), Labcorp and Athena Diagnostics).